The following is an entry in ClinVar:

ClinVar aggregate classification (germline): Uncertain significance. Review status: criteria provided, multiple submitters, no conflicts (2 of 4 stars). 3 submissions from 3 submitters: Uncertain significance (2). 1 of the submissions does not count toward it. Last evaluated 2022-05-03.

Conditions:
Finnish congenital nephrotic syndrome (NPHS1). Also called: NEPHROTIC SYNDROME, TYPE 1. Identifiers: Orphanet 839, MedGen C0403399, MONDO:0009732, OMIM 256300.

Allele frequency attached by ClinVar (database versions not stated): gnomAD exomes below 0.00001; gnomAD 0.00001; TOPMed 0.00001.
gnomAD v4.1: 9 of 1,613,528 alleles (0.00056%); highest among the groups gnomAD compares: African/African-American, 0.0013%; no homozygotes.

Submissions (3):

Fulgent Genetics
Classification: Uncertain significance for Finnish congenital nephrotic syndrome. Last evaluated: 2022-05-03. Review status: criteria provided, single submitter. Criteria: ACMG Guidelines, 2015. Collection method: clinical testing. Allele origin: unknown.

Labcorp Genetics (formerly Invitae), Labcorp
Classification: Uncertain significance. Last evaluated: 2021-08-26. Review status: criteria provided, single submitter. Criteria: Invitae Variant Classification Sherloc (09022015). Collection method: clinical testing. Allele origin: germline.
Comment: This sequence change replaces valine with isoleucine at codon 899 of the NPHS1 protein (p.Val899Ile). The valine residue is moderately conserved and there is a small physicochemical difference between valine and isoleucine. This variant is not present in population databases (ExAC no frequency). This variant has not been reported in the literature in individuals affected with NPHS1-related conditions. Algorithms developed to predict the effect of missense changes on protein structure and function output the following: SIFT: "Tolerated"; PolyPhen-2: "Benign"; Align-GVGD: "Class C0". The isoleucine amino acid residue is found in multiple mammalian species, which suggests that this missense change does not adversely affect protein function. In summary, the available evidence is currently insufficient to determine the role of this variant in disease. Therefore, it has been classified as a Variant of Uncertain Significance.

Natera, Inc.
Classification: Uncertain significance for Finnish congenital nephrotic syndrome. Last evaluated: 2021-03-20. Review status: no assertion criteria provided. Collection method: clinical testing. Allele origin: germline. Not counted in ClinVar's aggregate classification.

NM_004646.4(NPHS1):c.2695G>A (p.Val899Ile)

Gene: NPHS1 (NPHS1 adhesion molecule, nephrin; minus strand). Cytogenetic location: 19q13.12.
Variant type: single nucleotide variant.
Coding change: c.2695G>A on transcript NM_004646.4 (MANE Select); coding-DNA position 2695, G replaced by A.
Protein change: p.Val899Ile; replaces valine 899 with isoleucine.
Molecular consequence: missense variant.
Genome position (GRCh38, 1-based): chr19:35,841,835, C>T on the plus strand (G>A on the coding strand, the complement: NPHS1 is on the minus strand). VCF-style: chr19-35841835-C-T. GRCh37 (hg19) VCF-style: chr19-36332737-C-T.
Other names: short protein forms V899I.
Identifiers: ClinVar variation 1016099 (VCV001016099.8), dbSNP rs1174084046, ClinGen allele CA405390362.